The following is an entry in ClinVar:

ClinVar aggregate classification (germline): Benign (0 of 4 stars; one submission).

Conditions:
SIK3-related disorder. Also called: SIK3-related condition.

Allele frequency attached by ClinVar (database versions not stated): gnomAD 0.00054; TOPMed 0.00055; 1000 Genomes Project 30x 0.00344; 1000 Genomes Project 0.00379.
gnomAD v4.1: 524 of 1,613,982 alleles (0.032%); highest among the groups gnomAD compares: East Asian, 1%; 6 homozygotes.

Submission:

PreventionGenetics, part of Exact Sciences
Classification: Benign for SIK3-related condition. Last evaluated: 2019-08-20. Review status: no assertion criteria provided. Collection method: clinical testing. Allele origin: germline.
Comment: This variant is classified as benign based on ACMG/AMP sequence variant interpretation guidelines (Richards et al. 2015 PMID: 25741868, with internal and published modifications).

NM_001366686.3(SIK3):c.3438C>G (p.Asp1146Glu)

Gene: SIK3 (SIK family kinase 3; minus strand). Cytogenetic location: 11q23.3.
Variant type: single nucleotide variant.
Coding change: c.3438C>G on transcript NM_001366686.3 (MANE Select); coding-DNA position 3438, C replaced by G.
Protein change: p.Asp1146Glu; replaces aspartic acid 1146 with glutamic acid.
Molecular consequence: missense variant.
Genome position (GRCh38, 1-based): chr11:116,858,027, G>C on the plus strand (C>G on the coding strand, the complement: SIK3 is on the minus strand). VCF-style: chr11-116858027-G-C. GRCh37 (hg19) VCF-style: chr11-116728743-G-C.
Other names: c.2637C>G, p.Asp879Glu (NM_001281748.3); c.3114C>G, p.Asp1038Glu (NM_001281749.3); c.3294C>G, p.Asp1098Glu (NM_025164.6); short protein forms D1038E, D1098E, D1146E, D879E.
Identifiers: ClinVar variation 3034397 (VCV003034397.2), dbSNP rs11216163, ClinGen allele CA6290156.